The following is an entry in ClinVar:

NM_002890.3(RASA1):c.1174A>G (p.Thr392Ala)

Genes: CCNH (cyclin H; minus strand), RASA1 (RAS p21 protein activator 1; plus strand). Cytogenetic location: 5q14.3.
Variant type: single nucleotide variant.
Coding change: c.1174A>G on transcript NM_002890.3 (MANE Select); coding-DNA position 1174, A replaced by G.
Protein change: p.Thr392Ala; replaces threonine 392 with alanine.
Molecular consequence: missense variant. On other transcripts: intron variant (1).
Genome position (GRCh38, 1-based): chr5:87,349,285, A>G. VCF-style: chr5-87349285-A-G. GRCh37 (hg19) VCF-style: chr5-86645102-A-G.
Other names: c.643A>G, p.Thr215Ala (NM_022650.3); c.934-36490T>C (NM_001364075.2); short protein forms T392A, T215A.
Identifiers: ClinVar variation 4698160 (VCV004698160.1).

ClinVar aggregate classification (germline): Uncertain significance (1 of 4 stars; one submission).

Conditions:
Capillary malformation-arteriovenous malformation syndrome. Also called: Capillary malformation-arteriovenous malformation. Identifiers: Orphanet 137667, MedGen C1842180, MONDO:0012016.

gnomAD v4.1: 1 of 1,612,166 alleles (0.000062%); highest among the groups gnomAD compares: Non-Finnish European, 0.000085%; no homozygotes.

Submission:

Labcorp Genetics (formerly Invitae), Labcorp
Classification: Uncertain significance for Capillary malformation-arteriovenous malformation syndrome. Last evaluated: 2025-11-09. Review status: criteria provided, single submitter. Criteria: Invitae Variant Classification Sherloc (09022015). Collection method: clinical testing. Allele origin: germline.
Comment: This sequence change replaces threonine, which is neutral and polar, with alanine, which is neutral and non-polar, at codon 392 of the RASA1 protein (p.Thr392Ala). This variant is not present in population databases (gnomAD no frequency). This variant has not been reported in the literature in individuals affected with RASA1-related conditions. An algorithm developed to predict the effect of missense changes on protein structure and function (PolyPhen-2) suggests that this variant is likely to be disruptive. In summary, the available evidence is currently insufficient to determine the role of this variant in disease. Therefore, it has been classified as a Variant of Uncertain Significance.